The following is an entry in ClinVar:

ClinVar aggregate classification (germline): Uncertain significance (1 of 4 stars; one submission).

Submission:

Labcorp Genetics (formerly Invitae), Labcorp
Classification: Uncertain significance. Last evaluated: 2025-05-12. Review status: criteria provided, single submitter. Criteria: Invitae Variant Classification Sherloc (09022015). Collection method: clinical testing. Allele origin: germline.
Comment: This sequence change affects codon 1480 of the POLR1A mRNA. It is a 'silent' change, meaning that it does not change the encoded amino acid sequence of the POLR1A protein. This variant is not present in population databases (gnomAD no frequency). This variant has not been reported in the literature in individuals affected with POLR1A-related conditions. Algorithms developed to predict the effect of sequence changes on RNA splicing suggest that this variant may create or strengthen a splice site. In summary, the available evidence is currently insufficient to determine the role of this variant in disease. Therefore, it has been classified as a Variant of Uncertain Significance.

NM_015425.6(POLR1A):c.4440G>A (p.Leu1480=)

Gene: POLR1A (RNA polymerase I subunit A; minus strand). Cytogenetic location: 2p11.2.
Variant type: single nucleotide variant.
Coding change: c.4440G>A on transcript NM_015425.6 (MANE Select); coding-DNA position 4440, G replaced by A.
Protein change: p.Leu1480=; no amino-acid change (leucine 1480 retained).
Molecular consequence: synonymous variant.
Genome position (GRCh38, 1-based): chr2:86,031,468, C>T on the plus strand (G>A on the coding strand, the complement: POLR1A is on the minus strand). VCF-style: chr2-86031468-C-T. GRCh37 (hg19) VCF-style: chr2-86258591-C-T.
Identifiers: ClinVar variation 4711334 (VCV004711334.1).